The following is an entry in ClinVar:

ClinVar aggregate classification (germline): Conflicting classifications of pathogenicity. Review status: criteria provided, conflicting classifications (1 of 4 stars). 5 submissions from 5 submitters: Uncertain significance (1); Benign (1); Likely benign (3). Last evaluated 2025-09-20.

Conditions:
X-linked Emery-Dreifuss muscular dystrophy. Also called: Muscular dystrophy, tardive Emery-Dreifuss type, with contractures. Identifiers: Orphanet 261, Orphanet 98863, MedGen C0751337, MONDO:0010680.
Cardiovascular phenotype. Identifiers: MedGen CN230736.
Emery-Dreifuss muscular dystrophy 1, X-linked (EDMD1). Also called: SCAPULOPERONEAL SYNDROME, X-LINKED; HUMEROPERONEAL NEUROMUSCULAR DISEASE; Muscular dystrophy, tardive, Dreifuss-Emery type, with contractures; EMD-Related Emery-Dreifuss Muscular Dystrophy, X-Linked. Identifiers: MedGen CN375556, MONDO:0100531, OMIM 310300.

Allele frequency attached by ClinVar (database versions not stated): TOPMed 0.00003; ExAC 0.00004; gnomAD 0.00004 and 0.00005; gnomAD exomes 0.00004 and 0.00005.
gnomAD v4.1: 47 of 1,206,525 alleles (0.0039%); highest among the groups gnomAD compares: Non-Finnish European, 0.0053%; no homozygotes.

Submissions (5):

Labcorp Genetics (formerly Invitae), Labcorp
Classification: Benign for X-linked Emery-Dreifuss muscular dystrophy. Last evaluated: 2025-09-20. Review status: criteria provided, single submitter. Criteria: Invitae Variant Classification Sherloc (09022015). Collection method: clinical testing. Allele origin: germline.

Blueprint Genetics
Classification: Likely benign. Last evaluated: 2024-11-07. Review status: criteria provided, single submitter. Criteria: ACMG Guidelines, 2015. Collection method: clinical testing. Allele origin: germline.

Ambry Genetics
Classification: Likely benign for Cardiovascular phenotype. Last evaluated: 2024-04-26. Review status: criteria provided, single submitter. Criteria: Ambry Variant Classification Scheme 2023. Collection method: clinical testing. Allele origin: germline.

Department of Pathology and Laboratory Medicine, Sinai Health System
Classification: Uncertain significance for Emery-Dreifuss muscular dystrophy 1, X-linked. Last evaluated: 2021-07-30. Review status: criteria provided, single submitter. Criteria: ACMG Guidelines, 2015. Collection method: research. Allele origin: germline.

GeneDx
Classification: Likely benign. Last evaluated: 2018-05-16. Review status: criteria provided, single submitter. Criteria: GeneDx Variant Classification (06012015). Collection method: clinical testing. Allele origin: germline. Affected: yes.
Comment: This variant is considered likely benign or benign based on one or more of the following criteria: it is a conservative change, it occurs at a poorly conserved position in the protein, it is predicted to be benign by multiple in silico algorithms, and/or has population frequency not consistent with disease.

Literature cited by the submitters: PubMed 30086531 (cited by Ambry Genetics); PubMed 30847666 (cited by Ambry Genetics).

NM_000117.3(EMD):c.746A>G (p.Glu249Gly)

Gene: EMD (emerin; plus strand). Cytogenetic location: Xq28.
Variant type: single nucleotide variant.
Coding change: c.746A>G on transcript NM_000117.3 (MANE Select); coding-DNA position 746, A replaced by G.
Protein change: p.Glu249Gly; replaces glutamic acid 249 with glycine.
Molecular consequence: missense variant.
Genome position (GRCh38, 1-based): chrX:154,381,178, A>G. VCF-style: chrX-154381178-A-G. GRCh37 (hg19) VCF-style: chrX-153609538-A-G.
Other names: short protein forms E249G.
Identifiers: ClinVar variation 531737 (VCV000531737.14), dbSNP rs781947413, ClinGen allele CA10561671.